The following is an entry in ClinVar:

NM_004360.5(CDH1):c.1631C>T (p.Thr544Ile)

Gene: CDH1 (cadherin 1; plus strand). Cytogenetic location: 16q22.1.
Variant type: single nucleotide variant.
Coding change: c.1631C>T on transcript NM_004360.5 (MANE Select); coding-DNA position 1631, C replaced by T.
Protein change: p.Thr544Ile; replaces threonine 544 with isoleucine.
Molecular consequence: missense variant. On other transcripts: intron variant (1).
Genome position (GRCh38, 1-based): chr16:68,819,345, C>T. VCF-style: chr16-68819345-C-T. GRCh37 (hg19) VCF-style: chr16-68853248-C-T.
Other names: c.1448C>T, p.Thr483Ile (NM_001317184.2); c.83C>T, p.Thr28Ile (NM_001317185.2); c.-254-2656C>T (NM_001317186.2); short protein forms T28I, T483I, T544I.
Identifiers: ClinVar variation 1501261 (VCV001501261.10), dbSNP rs2152136862, ClinGen allele CA396465150.
Genomic context (GRCh38, chr16:68,819,345, plus strand): 5'-GGATTTGGAGAGACACTGCCAACTGGCTGGAGATTAATCCGGACACTGGTGCCATTTCCA[C>T]TCGGGCTGAGCTGGACAGGGAGGATTTTGAGCACGTGAAGAACAGCACGTACACAGCCCT-3'
Protein context (NP_004351.1, residues 534-554): EINPDTGAIS[Thr544Ile]RAELDREDFE

ClinVar aggregate classification (germline): Uncertain significance. Review status: criteria provided, multiple submitters, no conflicts (2 of 4 stars). 2 submissions from 2 submitters: Uncertain significance (2). Last evaluated 2024-09-15.

Conditions:
Hereditary diffuse gastric adenocarcinoma (HDGC). Also called: DIFFUSE GASTRIC AND LOBULAR BREAST CANCER SYNDROME. Identifiers: Orphanet 26106, MedGen C1708349, MONDO:0007648, OMIM 137215.
Hereditary cancer-predisposing syndrome. Also called: Tumor predisposition; Hereditary neoplastic syndrome; Neoplastic Syndromes, Hereditary; Hereditary Cancer Syndrome. Identifiers: Orphanet 140162, MedGen C0027672, MeSH D009386, MONDO:0015356.

Submissions (2):

Labcorp Genetics (formerly Invitae), Labcorp
Classification: Uncertain significance for Hereditary diffuse gastric adenocarcinoma. Last evaluated: 2024-09-15. Review status: criteria provided, single submitter. Criteria: Invitae Variant Classification Sherloc (09022015). Collection method: clinical testing. Allele origin: germline.
Comment: This sequence change replaces threonine, which is neutral and polar, with isoleucine, which is neutral and non-polar, at codon 544 of the CDH1 protein (p.Thr544Ile). This variant is not present in population databases (gnomAD no frequency). This variant has not been reported in the literature in individuals affected with CDH1-related conditions. ClinVar contains an entry for this variant (Variation ID: 1501261). An algorithm developed to predict the effect of missense changes on protein structure and function (PolyPhen-2) suggests that this variant is likely to be disruptive. In summary, the available evidence is currently insufficient to determine the role of this variant in disease. Therefore, it has been classified as a Variant of Uncertain Significance.

Ambry Genetics
Classification: Uncertain significance for Hereditary cancer-predisposing syndrome. Last evaluated: 2022-05-06. Review status: criteria provided, single submitter. Criteria: Ambry Variant Classification Scheme 2023. Collection method: clinical testing. Allele origin: germline.
Comment: The p.T544I variant (also known as c.1631C>T), located in coding exon 11 of the CDH1 gene, results from a C to T substitution at nucleotide position 1631. The threonine at codon 544 is replaced by isoleucine, an amino acid with similar properties. This amino acid position is conserved. In addition, this alteration is predicted to be tolerated by in silico analysis. Since supporting evidence is limited at this time, the clinical significance of this alteration remains unclear.